The following is an entry in ClinVar:

ClinVar aggregate classification (germline): Uncertain significance (1 of 4 stars; one submission).

Conditions:
Hereditary cancer-predisposing syndrome. Also called: Hereditary neoplastic syndrome; Neoplastic Syndromes, Hereditary; Tumor predisposition; Hereditary Cancer Syndrome. Identifiers: Orphanet 140162, MedGen C0027672, MeSH D009386, MONDO:0015356.

Submission:

Ambry Genetics
Classification: Uncertain significance for Hereditary cancer-predisposing syndrome. Last evaluated: 2024-12-22. Review status: criteria provided, single submitter. Criteria: Ambry Variant Classification Scheme 2023. Collection method: clinical testing. Allele origin: germline.
Comment: The p.T378P variant (also known as c.1132A>C), located in coding exon 10 of the CHEK2 gene, results from an A to C substitution at nucleotide position 1132. The threonine at codon 378 is replaced by proline, an amino acid with highly similar properties. This amino acid position is conserved. In addition, the in silico prediction for this alteration is inconclusive. Based on the available evidence, the clinical significance of this variant remains unclear.

NM_007194.4(CHEK2):c.1132A>C (p.Thr378Pro)

Gene: CHEK2 (checkpoint kinase 2; minus strand). Cytogenetic location: 22q12.1.
Variant type: single nucleotide variant.
Coding change: c.1132A>C on transcript NM_007194.4 (MANE Select); coding-DNA position 1132, A replaced by C.
Protein change: p.Thr378Pro; replaces threonine 378 with proline.
Molecular consequence: missense variant.
Genome position (GRCh38, 1-based): chr22:28,695,837, T>G on the plus strand (A>C on the coding strand, the complement: CHEK2 is on the minus strand). VCF-style: chr22-28695837-T-G. GRCh37 (hg19) VCF-style: chr22-29091825-T-G.
Other names: c.1261A>C, p.Thr421Pro (NM_001005735.3); c.469A>C, p.Thr157Pro (NM_001257387.3); c.931A>C, p.Thr311Pro (NM_001349956.3); c.1045A>C, p.Thr349Pro (NM_145862.3); short protein forms T157P, T349P, T421P, T311P, T378P.
Identifiers: ClinVar variation 3832929 (VCV003832929.1).